The following is an entry in ClinVar:

ClinVar aggregate classification (germline): Uncertain significance (1 of 4 stars; one submission).

Submission:

Labcorp Genetics (formerly Invitae), Labcorp
Classification: Uncertain significance. Last evaluated: 2021-10-25. Review status: criteria provided, single submitter. Criteria: Invitae Variant Classification Sherloc (09022015). Collection method: clinical testing. Allele origin: germline.
Comment: This variant has not been reported in the literature in individuals affected with CNGA3-related conditions. This variant is not present in population databases (gnomAD no frequency). This sequence change replaces glycine, which is neutral and non-polar, with valine, which is neutral and non-polar, at codon 602 of the CNGA3 protein (p.Gly602Val). Advanced modeling of protein sequence and biophysical properties (such as structural, functional, and spatial information, amino acid conservation, physicochemical variation, residue mobility, and thermodynamic stability) performed at Invitae indicates that this missense variant is expected to disrupt CNGA3 protein function. In summary, the available evidence is currently insufficient to determine the role of this variant in disease. Therefore, it has been classified as a Variant of Uncertain Significance. Algorithms developed to predict the effect of sequence changes on RNA splicing suggest that this variant may create or strengthen a splice site.

NM_001298.3(CNGA3):c.1805G>T (p.Gly602Val)

Gene: CNGA3 (cyclic nucleotide gated channel subunit alpha 3; plus strand). Cytogenetic location: 2q11.2.
Variant type: single nucleotide variant.
Coding change: c.1805G>T on transcript NM_001298.3 (MANE Select); coding-DNA position 1805, G replaced by T.
Protein change: p.Gly602Val; replaces glycine 602 with valine.
Molecular consequence: missense variant.
Genome position (GRCh38, 1-based): chr2:98,396,975, G>T. VCF-style: chr2-98396975-G-T. GRCh37 (hg19) VCF-style: chr2-99013438-G-T.
Other names: c.1751G>T, p.Gly584Val (NM_001079878.2); short protein forms G602V, G584V.
Identifiers: ClinVar variation 1419718 (VCV001419718.6), dbSNP rs1692935475, ClinGen allele CA347834336.